The following is an entry in ClinVar:

NM_000142.5(FGFR3):c.2372A>G (p.His791Arg)

Gene: FGFR3 (fibroblast growth factor receptor 3; plus strand). Cytogenetic location: 4p16.3.
Variant type: single nucleotide variant.
Coding change: c.2372A>G on transcript NM_000142.5 (MANE Select); coding-DNA position 2372, A replaced by G.
Protein change: p.His791Arg; replaces histidine 791 with arginine.
Molecular consequence: missense variant. On other transcripts: synonymous variant (1), non-coding transcript variant (1).
Genome position (GRCh38, 1-based): chr4:1,807,213, A>G. VCF-style: chr4-1807213-A-G. GRCh37 (hg19) VCF-style: chr4-1808940-A-G.
Other names: c.2378A>G, p.His793Arg (NM_001163213.2); c.2375A>G, p.His792Arg (NM_001354809.2); c.2304A>G, p.Pro768= (NM_001354810.2); c.2036A>G, p.His679Arg (NM_022965.4); short protein forms H792R, H679R, H791R, H793R.
Identifiers: ClinVar variation 2826374 (VCV002826374.3), dbSNP rs2108818152, ClinGen allele CA355987787.
Genomic context (GRCh38, chr4:1,807,213, plus strand): 5'-CCCCGGGTGGCCAGGACACCCCCAGCTCCAGCTCCTCAGGGGACGACTCCGTGTTTGCCC[A>G]CGACCTGCTGCCCCCGGCCCCACCCAGCAGTGGGGGCTCGCGGACGTGAAGGGCCACTGG-3'
Protein context (NP_000133.1, residues 781-801): SSSGDDSVFA[His791Arg]DLLPPAPPSS

ClinVar aggregate classification (germline): Uncertain significance (1 of 4 stars; one submission).

Submission:

Labcorp Genetics (formerly Invitae), Labcorp
Classification: Uncertain significance. Last evaluated: 2023-01-05. Review status: criteria provided, single submitter. Criteria: Invitae Variant Classification Sherloc (09022015). Collection method: clinical testing. Allele origin: germline.
Comment: In summary, the available evidence is currently insufficient to determine the role of this variant in disease. Therefore, it has been classified as a Variant of Uncertain Significance. This sequence change replaces histidine, which is basic and polar, with arginine, which is basic and polar, at codon 791 of the FGFR3 protein (p.His791Arg). This variant is not present in population databases (gnomAD no frequency). This variant has not been reported in the literature in individuals affected with FGFR3-related conditions. Advanced modeling of protein sequence and biophysical properties (such as structural, functional, and spatial information, amino acid conservation, physicochemical variation, residue mobility, and thermodynamic stability) has been performed at Invitae for this missense variant, however the output from this modeling did not meet the statistical confidence thresholds required to predict the impact of this variant on FGFR3 protein function.